The following is an entry in ClinVar:

NM_000052.7(ATP7A):c.2110C>T (p.Gln704Ter)

Gene: ATP7A (ATPase copper transporting alpha; plus strand). Cytogenetic location: Xq21.1.
Variant type: single nucleotide variant.
Coding change: c.2110C>T on transcript NM_000052.7 (MANE Select); coding-DNA position 2110, C replaced by T.
Protein change: p.Gln704Ter; replaces glutamine 704 with a stop codon.
Molecular consequence: nonsense.
Genome position (GRCh38, 1-based): chrX:78,011,612, C>T. VCF-style: chrX-78011612-C-T. GRCh37 (hg19) VCF-style: chrX-77267109-C-T.
Other names: c.2110C>T, p.Gln704Ter (NM_001282224.2); short protein forms Q704*.
Identifiers: ClinVar variation 1724086 (VCV001724086.3), dbSNP rs2522350411, ClinGen allele CA413598442.

ClinVar aggregate classification (germline): Likely pathogenic (1 of 4 stars; one submission).

Conditions:
Menkes kinky-hair syndrome (MNK). Also called: Copper transport disease; Classic Menkes Disease; Menkes Disease. Identifiers: Orphanet 565, MedGen C0022716, MONDO:0010651, OMIM 309400.

Submission:

Myriad Genetics, Inc.
Classification: Likely pathogenic for Menkes kinky-hair syndrome. Last evaluated: 2022-01-25. Review status: criteria provided, single submitter. Criteria: Myriad Autosomal Dominant, Autosomal Recessive and X-Linked Classification Criteria (2023). Collection method: clinical testing. Allele origin: unknown.
Comment: NM_000052.5(ATP7A):c.2110C>T(Q704*) is expected to be pathogenic in the context of ATP7A-related disorders. This variant is predicted to lead to an abnormal or absent protein product due to the creation of a premature termination codon in ATP7A, a gene where loss-of-function variants are known to be pathogenic. Please note: this variant was assessed in the context of healthy population screening.